The following is an entry in ClinVar:

NC_000022.10:g.(?_29091105)_(29108015_?)dup

Gene: CHEK2 (checkpoint kinase 2; minus strand). Cytogenetic location: 22q12.1.
Variant type: Duplication.
Identifiers: ClinVar variation 2425695 (VCV002425695.4).

ClinVar aggregate classification (germline): Likely pathogenic (1 of 4 stars; one submission).

Conditions:
Familial cancer of breast. Also called: Hereditary breast cancer; hereditary breast carcinoma; BREAST CANCER, FAMILIAL. Identifiers: Orphanet 227535, MedGen C0346153, MONDO:0016419, OMIM 114480. Disease mechanism: loss of function.

Submission:

Labcorp Genetics (formerly Invitae), Labcorp
Classification: Likely pathogenic for Familial cancer of breast. Last evaluated: 2022-10-01. Review status: criteria provided, single submitter. Criteria: Invitae Variant Classification Sherloc (09022015). Collection method: clinical testing. Allele origin: germline.
Comment: This variant results in a copy number gain of the genomic region encompassing exon(s) 6-12 of the CHEK2 gene. While the exact position of this variant cannot be determined from the data, sub-genic copy number gains are generally in tandem (PMID: 25640679). This variant is predicted to be out-of-frame, and may result in an absent or disrupted protein product. Loss-of-function variants in CHEK2 are known to be pathogenic (PMID: 21876083, 24713400). In summary, the currently available evidence indicates that the variant is pathogenic, but additional data are needed to prove that conclusively. Therefore, this variant has been classified as Likely Pathogenic. This variant has not been reported in the literature in individuals affected with CHEK2-related conditions.

Literature cited by the submitters: PubMed 25640679; PubMed 21876083; PubMed 24713400.